The following is an entry in ClinVar:

NM_007294.4(BRCA1):c.5419del (p.Ile1807fs)

Gene: BRCA1 (BRCA1 DNA repair associated; minus strand). Cytogenetic location: 17q21.31.
Variant type: Deletion.
Coding change: c.5419del on transcript NM_007294.4 (MANE Select); coding-DNA position 5419, one base deleted (A; older notation c.5419delA).
Protein change: p.Ile1807fs; shifts the reading frame from isoleucine 1807.
Molecular consequence: frameshift variant. On other transcripts: non-coding transcript variant (1).
Genome position (GRCh38, 1-based): chr17:43,047,691, T deleted on the plus strand (A on the coding strand, the reverse complement: BRCA1 is on the minus strand); the first of 2 consecutive T bases (chr17:43,047,691-43,047,692); deleting either gives the same sequence. VCF-style (leftmost placement, unchanged base first): chr17-43047690-AT-A. GRCh37 (hg19) VCF-style: chr17-41199707-AT-A.
Other names: 5537delA; c.5419delA (NM_007294.3); c.1965delA, p.Ile656Leufs (NM_001408465.1, NM_001408466.1, NM_001408467.1 and 7 more transcripts); c.1962delA, p.Ile655Leufs (NM_001408468.1, NM_001408469.1, NM_001408470.1); c.2032delA, p.Asn678Ilefs (NM_001408472.1); c.2029delA, p.Asn677Ilefs (NM_001408473.1); c.1908delA, p.Ile637Leufs (NM_001408474.1); c.1905delA, p.Ile636Leufs (NM_001408475.1, NM_001408476.1); and 88 more; short protein forms I1760fs, I1807fs, I1828fs, I703fs, N678fs.
Identifiers: ClinVar variation 55571 (VCV000055571.11), dbSNP rs80357934, ClinGen allele CA003582.

ClinVar aggregate classification (germline): Pathogenic. Review status: reviewed by expert panel (3 of 4 stars). 7 submissions from 7 submitters: Pathogenic (1). 6 of the submissions do not count toward it. Last evaluated 2016-09-08.

Conditions:
Hereditary cancer-predisposing syndrome. Also called: Hereditary Cancer Syndrome; Hereditary neoplastic syndrome; Neoplastic Syndromes, Hereditary; Tumor predisposition. Identifiers: Orphanet 140162, MedGen C0027672, MeSH D009386, MONDO:0015356.
Breast-ovarian cancer, familial, susceptibility to, 1 (BROVCA1). Also called: BRCA1 Hereditary Breast and Ovarian Cancer; OVARIAN CANCER, SUSCEPTIBILITY TO. Identifiers: Orphanet 145, MedGen C2676676, MONDO:0011450, OMIM 604370. Disease mechanism: loss of function.
Hereditary breast ovarian cancer syndrome. Also called: BRCA1- and BRCA2-Associated Hereditary Breast and Ovarian Cancer; Hereditary breast and ovarian cancer syndrome; Hereditary breast and ovarian cancer syndrome (HBOC); Breast and ovarian cancer; Hereditary breast and/or ovarian cancer syndrome; Hereditary breast and ovarian cancer. Identifiers: Orphanet 145, MedGen C0677776, MeSH D061325, MONDO:0003582. Disease mechanism: loss of function.

Submissions (7):

Evidence-based Network for the Interpretation of Germline Mutant Alleles (ENIGMA)
Classification: Pathogenic for Breast-ovarian cancer, familial, susceptibility to, 1. Last evaluated: 2016-09-08. Review status: reviewed by expert panel. Criteria: ENIGMA BRCA1/2 Classification Criteria (2015). Collection method: curation. Allele origin: germline.
Comment: Variant allele predicted to encode a truncated non-functional protein.

Ambry Genetics
Classification: Pathogenic for Hereditary cancer-predisposing syndrome. Last evaluated: 2026-05-08. Review status: criteria provided, single submitter. Criteria: Ambry Variant Classification Scheme 2023. Collection method: clinical testing. Allele origin: germline. Not counted in ClinVar's aggregate classification.
Comment: The c.5419delA pathogenic mutation, located in coding exon 21 of the BRCA1 gene, results from a deletion of one nucleotide at nucleotide position 5419, causing a translational frameshift with a predicted alternate stop codon (p.I1807Lfs*27). This variant occurs at the 3' terminus of the gene, is not expected to trigger nonsense-mediated mRNA decay, and impacts the last 3% of the protein. However, premature stop codons are typically deleterious in nature, and the impacted region is critical for protein function (Ambry internal data). This variant is considered to be rare based on population cohorts in the Genome Aggregation Database (gnomAD). Based on the supporting evidence, this variant is interpreted as a disease-causing mutation.

Color Diagnostics, LLC DBA Color Health
Classification: Pathogenic for Hereditary cancer-predisposing syndrome. Last evaluated: 2020-01-15. Review status: criteria provided, single submitter. Criteria: ACMG Guidelines, 2015. Collection method: clinical testing. Allele origin: germline. Not counted in ClinVar's aggregate classification.
Comment: This variant deletes 1 nucleotide in exon 22 of the BRCA1 gene, creating a frameshift and premature translation stop signal. This variant is expected to result in an absent or non-functional protein product. This variant has not been identified in the general population by the Genome Aggregation Database (gnomAD). Loss of BRCA1 function is a known mechanism of disease. Based on the available evidence, this variant is classified as Pathogenic.

Genologica Medica
Classification: Pathogenic for Breast-ovarian cancer, familial, susceptibility to, 1. Last evaluated: 2017-01-01. Review status: criteria provided, single submitter. Criteria: ACMG Guidelines, 2015. Collection method: clinical testing. Allele origin: germline. Affected: yes. Not counted in ClinVar's aggregate classification.

Consortium of Investigators of Modifiers of BRCA1/2 (CIMBA), c/o University of Cambridge
Classification: Pathogenic for Breast-ovarian cancer, familial, susceptibility to, 1. Last evaluated: 2015-10-02. Review status: criteria provided, single submitter. Criteria: CIMBA Mutation Classification guidelines May 2016. Collection method: clinical testing. Allele origin: germline. Not counted in ClinVar's aggregate classification.

Research Molecular Genetics Laboratory, Women's College Hospital, University of Toronto
Classification: Pathogenic for Hereditary breast ovarian cancer syndrome. Last evaluated: 2014-01-31. Review status: no assertion criteria provided. Collection method: research. Allele origin: germline. Affected: yes. Study: The Canadian Open Genetics Repository (COGR). Not counted in ClinVar's aggregate classification.

Breast Cancer Information Core (BIC) (BRCA1)
Classification: Pathogenic for Breast-ovarian cancer, familial 1. Last evaluated: 2004-02-20. Review status: no assertion criteria provided. Collection method: clinical testing. Allele origin: germline. Affected: yes. Observed: 2 variant alleles. Not counted in ClinVar's aggregate classification.

Literature cited by the submitters: PubMed 10508480 (cited by Ambry Genetics).